The following is an entry in ClinVar:

ClinVar aggregate classification (germline): Pathogenic (1 of 4 stars; one submission).

Conditions:
COG7 congenital disorder of glycosylation (CDG2E). Also called: CONGENITAL DISORDER OF GLYCOSYLATION, TYPE IIe; CDG IIe. Identifiers: Orphanet 79333, MedGen C2931010, MONDO:0012118, OMIM 608779.

Allele frequency attached by ClinVar (database versions not stated): gnomAD exomes below 0.00001; gnomAD 0.00001.

Submission:

Labcorp Genetics (formerly Invitae), Labcorp
Classification: Pathogenic for COG7 congenital disorder of glycosylation. Last evaluated: 2023-09-08. Review status: criteria provided, single submitter. Criteria: Invitae Variant Classification Sherloc (09022015). Collection method: clinical testing. Allele origin: germline.
Comment: For these reasons, this variant has been classified as Pathogenic. This variant has not been reported in the literature in individuals affected with COG7-related conditions. This variant is not present in population databases (gnomAD no frequency). This sequence change creates a premature translational stop signal (p.Tyr500Leufs*4) in the COG7 gene. It is expected to result in an absent or disrupted protein product. Loss-of-function variants in COG7 are known to be pathogenic (PMID: 21811164).

Literature cited by the submitters: PubMed 21811164.

NM_153603.4(COG7):c.1498dup (p.Tyr500fs)

Gene: COG7 (component of oligomeric golgi complex 7; minus strand). Cytogenetic location: 16p12.2.
Variant type: Duplication.
Coding change: c.1498dup on transcript NM_153603.4 (MANE Select); coding-DNA position 1498, one base duplicated (T; older notation c.1498dupT).
Protein change: p.Tyr500fs; shifts the reading frame from tyrosine 500.
Molecular consequence: frameshift variant.
Genome position (GRCh38, 1-based): chr16:23,406,240, A duplicated on the plus strand (T on the coding strand, the reverse complement: COG7 is on the minus strand). VCF-style (leftmost placement, unchanged base first): chr16-23406239-T-TA. GRCh37 (hg19) VCF-style: chr16-23417560-T-TA.
Other names: short protein forms Y500fs.
Identifiers: ClinVar variation 2775952 (VCV002775952.3), dbSNP rs1963459711, ClinGen allele CA975684265.